The following is an entry in ClinVar:

ClinVar aggregate classification (germline): Uncertain significance. Review status: criteria provided, multiple submitters, no conflicts (2 of 4 stars). 3 submissions from 3 submitters: Uncertain significance (3). Last evaluated 2024-07-23.

Conditions:
Hereditary cancer-predisposing syndrome. Also called: Hereditary Cancer Syndrome; Hereditary neoplastic syndrome; Tumor predisposition; Neoplastic Syndromes, Hereditary. Identifiers: Orphanet 140162, MedGen C0027672, MeSH D009386, MONDO:0015356.

Submissions (3):

Ambry Genetics
Classification: Uncertain significance for Hereditary cancer-predisposing syndrome. Last evaluated: 2024-07-23. Review status: criteria provided, single submitter. Criteria: Ambry Variant Classification Scheme 2023. Collection method: clinical testing. Allele origin: germline.
Comment: The p.H397R variant (also known as c.1190A>G), located in coding exon 8 of the RAD50 gene, results from an A to G substitution at nucleotide position 1190. The histidine at codon 397 is replaced by arginine, an amino acid with highly similar properties. This amino acid position is conserved. In addition, this alteration is predicted to be tolerated by in silico analysis. Based on the available evidence, the clinical significance of this variant remains unclear.

Labcorp Genetics (formerly Invitae), Labcorp
Classification: Uncertain significance for Hereditary cancer-predisposing syndrome. Last evaluated: 2023-02-15. Review status: criteria provided, single submitter. Criteria: Invitae Variant Classification Sherloc (09022015). Collection method: clinical testing. Allele origin: germline.
Comment: This sequence change replaces histidine, which is basic and polar, with arginine, which is basic and polar, at codon 397 of the RAD50 protein (p.His397Arg). This variant is not present in population databases (gnomAD no frequency). This variant has not been reported in the literature in individuals affected with RAD50-related conditions. ClinVar contains an entry for this variant (Variation ID: 1010065). Advanced modeling of protein sequence and biophysical properties (such as structural, functional, and spatial information, amino acid conservation, physicochemical variation, residue mobility, and thermodynamic stability) performed at Invitae indicates that this missense variant is not expected to disrupt RAD50 protein function. In summary, the available evidence is currently insufficient to determine the role of this variant in disease. Therefore, it has been classified as a Variant of Uncertain Significance.

Blueprint Genetics
Classification: Uncertain significance. Last evaluated: 2022-11-25. Review status: criteria provided, single submitter. Criteria: ACMG Guidelines, 2015. Collection method: clinical testing. Allele origin: germline.

NM_005732.4(RAD50):c.1190A>G (p.His397Arg)

Gene: RAD50 (RAD50 double strand break repair protein; plus strand). Cytogenetic location: 5q31.1.
Variant type: single nucleotide variant.
Coding change: c.1190A>G on transcript NM_005732.4 (MANE Select); coding-DNA position 1190, A replaced by G.
Protein change: p.His397Arg; replaces histidine 397 with arginine.
Molecular consequence: missense variant.
Genome position (GRCh38, 1-based): chr5:132,588,825, A>G. VCF-style: chr5-132588825-A-G. GRCh37 (hg19) VCF-style: chr5-131924517-A-G.
Other names: c.1190A>G (NM_005732.3); short protein forms H397R.
Identifiers: ClinVar variation 1010065 (VCV001010065.9), dbSNP rs562153754, ClinGen allele CA360942863.
Genomic context (GRCh38, chr5:132,588,825, plus strand): 5'-AGCTAGAATTGGATGGCTTTGAGCGTGGACCATTCAGTGAAAGACAGATTAAAAATTTTC[A>G]CAAACTTGTGAGAGAGAGACAAGAAGGGGAAGCAAAAACTGCCAACCAACTGATGGCAAG-3'
Protein context (NP_005723.2, residues 387-407): PFSERQIKNF[His397Arg]KLVRERQEGE